The following is an entry in ClinVar:

ClinVar aggregate classification (germline): Benign. Review status: criteria provided, multiple submitters, no conflicts (2 of 4 stars). 2 submissions from 2 submitters: Benign (2). Last evaluated 2018-06-19.

Allele frequency attached by ClinVar (database versions not stated): 1000 Genomes Project 0.12800; 1000 Genomes Project 30x 0.13070; TOPMed 0.15898; gnomAD 0.16867; ESP Exome Variant Server 0.17937.
gnomAD v4.1: 278,044 of 1,376,976 alleles (20%); highest among the groups gnomAD compares: South Asian, 30%; 30,824 homozygotes.

Submissions (2):

GeneDx
Classification: Benign. Last evaluated: 2018-06-19. Review status: criteria provided, single submitter. Criteria: GeneDx Variant Classification (06012015). Collection method: clinical testing. Allele origin: germline. Affected: yes.
Comment: This variant is considered likely benign or benign based on one or more of the following criteria: it is a conservative change, it occurs at a poorly conserved position in the protein, it is predicted to be benign by multiple in silico algorithms, and/or has population frequency not consistent with disease.

Breakthrough Genomics
Classification: Benign. Review status: criteria provided, single submitter. Criteria: ACMG Guidelines, 2015. Collection method: not provided. Allele origin: germline. Inheritance: Autosomal dominant inheritance. Affected: yes.

NM_006258.4(PRKG1):c.936-61A>T

Gene: PRKG1 (protein kinase cGMP-dependent 1; plus strand). Cytogenetic location: 10q21.1.
Variant type: single nucleotide variant.
Coding change: c.936-61A>T on transcript NM_006258.4 (MANE Select); 61 bases into the intron before coding-DNA position 936, A replaced by T.
Molecular consequence: intron variant.
Genome position (GRCh38, 1-based): chr10:52,133,779, A>T. VCF-style: chr10-52133779-A-T. GRCh37 (hg19) VCF-style: chr10-53893539-A-T.
Other names: c.891-61A>T (NM_001098512.3).
Identifiers: ClinVar variation 674740 (VCV000674740.2), dbSNP rs17642863, ClinGen allele CA16389103.